The following is an entry in ClinVar:

NM_000379.4(XDH):c.1509C>G (p.Gly503=)

Gene: XDH (xanthine dehydrogenase; minus strand). Cytogenetic location: 2p23.1.
Variant type: single nucleotide variant.
Coding change: c.1509C>G on transcript NM_000379.4 (MANE Select); coding-DNA position 1509, C replaced by G.
Protein change: p.Gly503=; no amino-acid change (glycine 503 retained).
Molecular consequence: synonymous variant.
Genome position (GRCh38, 1-based): chr2:31,375,473, G>C on the plus strand (C>G on the coding strand, the complement: XDH is on the minus strand). VCF-style: chr2-31375473-G-C. GRCh37 (hg19) VCF-style: chr2-31598339-G-C.
Other names: p.Gly503=.
Identifiers: ClinVar variation 335787 (VCV000335787.18), dbSNP rs45612839, ClinGen allele CA1599210.

ClinVar aggregate classification (germline): Benign. Review status: criteria provided, multiple submitters, no conflicts (2 of 4 stars). 6 submissions from 6 submitters: Benign (6). Last evaluated 2026-02-01.

Conditions:
Xanthinuria type II. Also called: Xanthine dehydrogenase and aldehyde oxidase combined deficiency of; XDH and AOX dual deficiency. Identifiers: Orphanet 3467, Orphanet 93602, MedGen C1863688, MONDO:0011346, OMIM 603592.
Hereditary xanthinuria type 1 (XAN1). Identifiers: Orphanet 3467, Orphanet 93601, MedGen C0268118, MONDO:0010209, OMIM 278300.

Allele frequency attached by ClinVar (database versions not stated): gnomAD exomes 0.01566; ExAC 0.01902; 1000 Genomes Project 0.06270; 1000 Genomes Project 30x 0.06636; ESP Exome Variant Server 0.06643; TOPMed 0.06858.
gnomAD v4.1: 18,259 of 1,614,088 alleles (1.1%); highest among the groups gnomAD compares: African/African-American, 21%; 1,687 homozygotes.

Submissions (11):

Labcorp Genetics (formerly Invitae), Labcorp
Classification: Benign for Xanthinuria type II. Last evaluated: 2026-02-01. Review status: criteria provided, single submitter. Criteria: Invitae Variant Classification Sherloc (09022015). Collection method: clinical testing. Allele origin: germline.

Mayo Clinic Laboratories, Mayo Clinic
Classification: Benign. Last evaluated: 2022-10-30. Review status: criteria provided, single submitter. Criteria: ACMG Guidelines, 2015. Collection method: clinical testing. Allele origin: germline. Observed: 13 variant alleles.

Genome-Nilou Lab
Classification: Benign for Hereditary xanthinuria type 1. Last evaluated: 2021-12-05. Review status: criteria provided, single submitter. Criteria: ACMG Guidelines, 2015. Collection method: clinical testing. Allele origin: germline. Affected: no.

GeneDx
Classification: Benign. Last evaluated: 2021-01-29. Review status: criteria provided, single submitter. Criteria: GeneDx Variant Classification Process June 2021. Collection method: clinical testing. Allele origin: germline. Affected: yes.

Illumina Laboratory Services, Illumina
Classification: Benign for Hereditary xanthinuria type 1. Last evaluated: 2018-01-13. Review status: criteria provided, single submitter. Criteria: ICSL Variant Classification Criteria 13 December 2019. Collection method: clinical testing. Allele origin: germline.
Comment: This variant was observed in the ICSL laboratory as part of a predisposition screen in an ostensibly healthy population. It had not been previously curated by ICSL or reported in the Human Gene Mutation Database (HGMD: prior to June 1st, 2018), and was therefore a candidate for classification through an automated scoring system. Utilizing variant allele frequency, disease prevalence and penetrance estimates, and inheritance mode, an automated score was calculated to assess if this variant is too frequent to cause the disease. Based on the score and internal cut-off values, a variant classified as benign is not then subjected to further curation. The score for this variant resulted in a classification of benign for this disease.

Breakthrough Genomics
Classification: Benign. Review status: criteria provided, single submitter. Criteria: ACMG Guidelines, 2015. Collection method: not provided. Allele origin: germline. Inheritance: Autosomal recessive inheritance. Affected: yes.

Dr. Peter K. Rogan Lab, Western University
No classification provided (evidence only). Condition: Lung cancer. Review status: no classification provided. Collection method: in vitro. Allele origin: not applicable. Functional consequence: retained intron. Not counted in ClinVar's aggregate classification.

Dr. Peter K. Rogan Lab, Western University
No classification provided (evidence only). Condition: Hepatocellular carcinoma. Review status: no classification provided. Collection method: in vitro. Allele origin: not applicable. Functional consequence: retained intron. Not counted in ClinVar's aggregate classification.

Dr. Peter K. Rogan Lab, Western University
No classification provided (evidence only). Condition: Cholangiocarcinoma. Review status: no classification provided. Collection method: in vitro. Allele origin: not applicable. Functional consequence: skipped exon. Not counted in ClinVar's aggregate classification.

Dr. Peter K. Rogan Lab, Western University
No classification provided (evidence only). Condition: Gastric cancer. Review status: no classification provided. Collection method: in vitro. Allele origin: not applicable. Functional consequence: retained intron. Not counted in ClinVar's aggregate classification.

Dr. Peter K. Rogan Lab, Western University
No classification provided (evidence only). Condition: Gastric cancer. Review status: no classification provided. Collection method: in vitro. Allele origin: not applicable. Functional consequence: retained intron. Not counted in ClinVar's aggregate classification.